The following is an entry in ClinVar:

ClinVar aggregate classification (germline): Conflicting classifications of pathogenicity. Review status: criteria provided, conflicting classifications (1 of 4 stars). 2 submissions from 2 submitters: Uncertain significance (1); Likely benign (1). Last evaluated 2024-12-12.

Conditions:
Cardiovascular phenotype. Identifiers: MedGen CN230736.
Duchenne muscular dystrophy (DMD). Also called: MUSCULAR DYSTROPHY, PSEUDOHYPERTROPHIC PROGRESSIVE, DUCHENNE TYPE; Duchenne Muscular Dystrophy (DMD). Identifiers: Orphanet 98896, MedGen C0013264, MONDO:0010679, OMIM 310200.

Submissions (2):

Ambry Genetics
Classification: Likely benign for Cardiovascular phenotype. Last evaluated: 2024-12-12. Review status: criteria provided, single submitter. Criteria: Ambry Variant Classification Scheme 2023. Collection method: clinical testing. Allele origin: germline.

Labcorp Genetics (formerly Invitae), Labcorp
Classification: Uncertain significance for Duchenne muscular dystrophy. Last evaluated: 2024-10-18. Review status: criteria provided, single submitter. Criteria: Invitae Variant Classification Sherloc (09022015). Collection method: clinical testing. Allele origin: germline.
Comment: This sequence change replaces isoleucine, which is neutral and non-polar, with threonine, which is neutral and polar, at codon 245 of the DMD protein (p.Ile245Thr). This variant is not present in population databases (gnomAD no frequency). This variant has not been reported in the literature in individuals affected with DMD-related conditions. ClinVar contains an entry for this variant (Variation ID: 2170595). Invitae Evidence Modeling of protein sequence and biophysical properties (such as structural, functional, and spatial information, amino acid conservation, physicochemical variation, residue mobility, and thermodynamic stability) indicates that this missense variant is not expected to disrupt DMD protein function with a negative predictive value of 95%. In summary, the available evidence is currently insufficient to determine the role of this variant in disease. Therefore, it has been classified as a Variant of Uncertain Significance.

NM_004006.3(DMD):c.734T>C (p.Ile245Thr)

Gene: DMD (dystrophin; minus strand). Cytogenetic location: Xp21.1.
Variant type: single nucleotide variant.
Coding change: c.734T>C on transcript NM_004006.3 (MANE Select); coding-DNA position 734, T replaced by C.
Protein change: p.Ile245Thr; replaces isoleucine 245 with threonine.
Molecular consequence: missense variant.
Genome position (GRCh38, 1-based): chrX:32,699,209, A>G on the plus strand (T>C on the coding strand, the complement: DMD is on the minus strand). VCF-style: chrX-32699209-A-G. GRCh37 (hg19) VCF-style: chrX-32717326-A-G.
Other names: c.710T>C, p.Ile237Thr (NM_000109.4); c.722T>C, p.Ile241Thr (NM_004009.3); c.365T>C, p.Ile122Thr (NM_004010.3); short protein forms I122T, I245T, I237T, I241T.
Identifiers: ClinVar variation 2170595 (VCV002170595.4), dbSNP rs1234861163, ClinGen allele CA412669002.